The following is an entry in ClinVar:

NM_000202.8(IDS):c.1106C>G (p.Ser369Ter)

Genes: IDS (iduronate 2-sulfatase; minus strand), LOC106050102 (IDS recombination region; plus strand). Cytogenetic location: Xq28.
Variant type: single nucleotide variant.
Coding change: c.1106C>G on transcript NM_000202.8 (MANE Select); coding-DNA position 1106, C replaced by G.
Protein change: p.Ser369Ter; replaces serine 369 with a stop codon.
Molecular consequence: nonsense.
Genome position (GRCh38, 1-based): chrX:149,486,999, G>C on the plus strand (C>G on the coding strand, the complement: IDS is on the minus strand). VCF-style: chrX-149486999-G-C. GRCh37 (hg19) VCF-style: chrX-148568530-G-C.
Other names: c.836C>G, p.Ser279Ter (NM_001166550.4); short protein forms S279*, S369*.
Identifiers: ClinVar variation 3255967 (VCV003255967.2).

ClinVar aggregate classification (germline): Pathogenic (1 of 4 stars; one submission).

Conditions:
Mucopolysaccharidosis, MPS-II (MPS2). Also called: Hunter Syndrome; IDURONATE 2-SULFATASE DEFICIENCY; Mucopolysaccharidosis Type II; Mucopolysaccharidosis type 2; Attenuated MPS (subtype; formerly known as mild MPS II); Severe MPS II. Identifiers: Orphanet 580, Orphanet 79388, MedGen C0026705, MONDO:0010674, OMIM 309900.

Submission:

Laboratory of Diagnosis and Therapy of Lysosomal Disorders, University of Padova
Classification: Pathogenic for Mucopolysaccharidosis, MPS-II. Last evaluated: 2024-06-07. Review status: criteria provided, single submitter. Criteria: ACMG Guidelines, 2015. Collection method: literature only. Allele origin: germline. Affected: yes. Observed: 5 variant alleles.
Comment: Null variant (PVS1_VeryStrong), In vitro or in vivo functional studies supportive of a damaging effect (PS3_Strong), Absent from controls (or at low frequency) in gnomAD database (PM2_Moderate), Cosegregation with disease in multiple affected family members (PP1_Moderate), Patient’s phenotype or family history highly specific for the disease (PP4_Strong)

Classification method: ACMG Guidelines [PMID:25741868] with modifications

Literature cited by the submitters: PubMed 18331837; PubMed 31877959; PubMed 16495038.